The following is an entry in ClinVar:

NM_001317778.2(SFTPC):c.115G>A (p.Val39Met)

Gene: SFTPC (surfactant protein C; plus strand). Cytogenetic location: 8p21.3.
Variant type: single nucleotide variant.
Coding change: c.115G>A on transcript NM_001317778.2 (MANE Select); coding-DNA position 115, G replaced by A.
Protein change: p.Val39Met; replaces valine 39 with methionine.
Molecular consequence: missense variant. On other transcripts: intron variant (1).
Genome position (GRCh38, 1-based): chr8:22,162,646, G>A. VCF-style: chr8-22162646-G-A. GRCh37 (hg19) VCF-style: chr8-22020159-G-A.
Other names: c.115G>A, p.Val39Met (NM_001172357.2, NM_001172410.2, NM_001317780.2 and 1 more transcripts); c.43-434G>A (NM_001317779.2); short protein forms V39M.
Identifiers: ClinVar variation 235391 (VCV000235391.11), dbSNP rs183533911, ClinGen allele CA4663907.

ClinVar aggregate classification (germline): Uncertain significance. Review status: criteria provided, multiple submitters, no conflicts (2 of 4 stars). 5 submissions from 5 submitters: Uncertain significance (5). Last evaluated 2024-05-27.

Conditions:
Surfactant metabolism dysfunction, pulmonary, 2 (SMDP2). Also called: DESQUAMATIVE INTERSTITIAL PNEUMONITIS DUE TO SURFACTANT PROTEIN C DEFICIENCY; INTERSTITIAL LUNG DISEASE DUE TO SURFACTANT PROTEIN C DEFICIENCY; PULMONARY ALVEOLAR PROTEINOSIS, CONGENITAL, 2. Identifiers: Orphanet 440392, MedGen C1970470, MONDO:0024465, OMIM 610913.

Allele frequency attached by ClinVar (database versions not stated): TOPMed 0.00002; ESP Exome Variant Server 0.00008; 1000 Genomes Project 30x 0.00016.
gnomAD v4.1: 74 of 1,608,710 alleles (0.0046%); highest among the groups gnomAD compares: East Asian, 0.031%; no homozygotes.

Submissions (5):

Clinical Genomics Laboratory, Washington University in St. Louis
Classification: Uncertain significance for Surfactant metabolism dysfunction, pulmonary, 2. Last evaluated: 2024-05-27. Review status: criteria provided, single submitter. Criteria: ACMG Guidelines, 2015. Collection method: clinical testing. Allele origin: germline.
Comment: The SFTPC c.115G>A (p.Val39Met) variant has been reported in one individual affected with developmental delay and history of recurrent respiratory infections (Prasad A et al., PMID:29554876). This variant has been reported in the ClinVar database as a variant of uncertain significance by four submitters. This variant is only observed on 9 alleles of 280,678 alleles in the general population (gnomAD v.2.1.1), indicating it is not a common variant. Computational predictors are uncertain as to the impact of this variant on SFTPC function. Due to limited information and based on ACMG/AMP guidelines for variant interpretation (Richards S et al., PMID: 25741868), the clinical significance of this variant is uncertain at this time.

Labcorp Genetics (formerly Invitae), Labcorp
Classification: Uncertain significance. Last evaluated: 2022-07-17. Review status: criteria provided, single submitter. Criteria: Invitae Variant Classification Sherloc (09022015). Collection method: clinical testing. Allele origin: germline.
Comment: In summary, the available evidence is currently insufficient to determine the role of this variant in disease. Therefore, it has been classified as a Variant of Uncertain Significance. Algorithms developed to predict the effect of missense changes on protein structure and function are either unavailable or do not agree on the potential impact of this missense change (SIFT: "Deleterious"; PolyPhen-2: "Possibly Damaging"; Align-GVGD: "Class C0"). ClinVar contains an entry for this variant (Variation ID: 235391). This missense change has been observed in individual(s) with SFTPC-related conditions (PMID: 29554876). This variant is present in population databases (rs183533911, gnomAD 0.01%). This sequence change replaces valine, which is neutral and non-polar, with methionine, which is neutral and non-polar, at codon 39 of the SFTPC protein (p.Val39Met).

Johns Hopkins Genomics, Johns Hopkins University
Classification: Uncertain significance for Surfactant metabolism dysfunction, pulmonary, 2. Last evaluated: 2022-06-21. Review status: criteria provided, single submitter. Criteria: ACMG Guidelines, 2015. Collection method: clinical testing. Allele origin: germline.
Comment: The SFTPC c.115G>A variant (rs183533911) is rare (<0.1%) in a large population dataset (gnomAD v3.1.2: 8/152118 total alleles; 0.0053%; no homozygotes). This variant has been reported in ClinVar (Variation ID 235391), but has not been reported in the literature in association with pulmonary disease, to our knowledge. Of three bioinformatics tools queried, two predict that the substitution would be damaging, while one predicts that it would be tolerated, and the valine residue at this position is evolutionarily conserved across many species assessed6. We consider the clinical significance of c.115G>A to be uncertain at this time.

GeneDx
Classification: Uncertain significance. Last evaluated: 2018-05-25. Review status: criteria provided, single submitter. Criteria: GeneDx Variant Classification (06012015). Collection method: clinical testing. Allele origin: germline. Affected: yes.
Comment: The V39M variant in the SFTPC gene has not been reported previously as a pathogenic variant, nor as a benign variant, to our knowledge. Two other missense variants at this same codon, V39A and V39L, have been reported in the Human Gene Mutation Database in association with interstitial lung disease, however in both cases, the SFTPC gene was the only gene tested (Guillot et al., 2009; Avital et al., 2014). The V39M variant is observed in 2/18870 (0.0106%) alleles from individuals of East Asian background, and in 9/276,906 total alleles, in large population cohorts (Lek et al., 2016). The V39M variant is a conservative amino acid substitution, which is not likely to impact secondary protein structure as these residues share similar properties. In-silico analyses, including protein predictors and evolutionary conservation, support that this variant does not alter protein structure/function. We interpret V39M as a variant of uncertain significance.

Center for Pediatric Genomic Medicine, Children's Mercy Hospital and Clinics
Classification: Uncertain significance. Last evaluated: 2015-04-29. Review status: criteria provided, single submitter. Criteria: ACMG Guidelines, 2015. Collection method: clinical testing. Allele origin: germline.
ClinVar note: Converted during submission from Uncertain Significance to Uncertain significance.

Literature cited by the submitters: PubMed 29554876 (cited by Labcorp Genetics (formerly Invitae), Labcorp); PubMed 23166334 (cited by Johns Hopkins Genomics, Johns Hopkins University).